The following is an entry in ClinVar:

NM_000702.4(ATP1A2):c.1650G>C (p.Leu550=)

Gene: ATP1A2 (ATPase Na+/K+ transporting subunit alpha 2; plus strand). Cytogenetic location: 1q23.2.
Variant type: single nucleotide variant.
Coding change: c.1650G>C on transcript NM_000702.4 (MANE Select); coding-DNA position 1650, G replaced by C.
Protein change: p.Leu550=; no amino-acid change (leucine 550 retained).
Molecular consequence: synonymous variant.
Genome position (GRCh38, 1-based): chr1:160,130,290, G>C. VCF-style: chr1-160130290-G-C. GRCh37 (hg19) VCF-style: chr1-160100080-G-C.
Identifiers: ClinVar variation 1007084 (VCV001007084.8), dbSNP rs775807326, ClinGen allele CA1194541.

ClinVar aggregate classification (germline): Uncertain significance (1 of 4 stars; one submission).

Conditions:
Familial hemiplegic migraine. Identifiers: MedGen C0338484, MONDO:0000700.

Allele frequency attached by ClinVar (database versions not stated): ExAC 0.00002; gnomAD exomes 0.00002.
gnomAD v4.1: 5 of 1,614,150 alleles (0.00031%); highest among the groups gnomAD compares: Admixed American, 0.0083%; no homozygotes.

Submission:

Labcorp Genetics (formerly Invitae), Labcorp
Classification: Uncertain significance for Familial hemiplegic migraine. Last evaluated: 2026-01-24. Review status: criteria provided, single submitter. Criteria: Invitae Variant Classification Sherloc (09022015). Collection method: clinical testing. Allele origin: germline.
Comment: This sequence change affects codon 550 of the ATP1A2 mRNA. It is a 'silent' change, meaning that it does not change the encoded amino acid sequence of the ATP1A2 protein. It affects a nucleotide within the consensus splice site. This variant is present in population databases (rs775807326, gnomAD 0.01%). This variant has not been reported in the literature in individuals affected with ATP1A2-related conditions. ClinVar contains an entry for this variant (Variation ID: 1007084). Algorithms developed to predict the effect of sequence changes on RNA splicing suggest that this variant is not likely to affect RNA splicing. In summary, the available evidence is currently insufficient to determine the role of this variant in disease. Therefore, it has been classified as a Variant of Uncertain Significance.